The following is an entry in ClinVar:

ClinVar aggregate classification (germline): Benign (1 of 4 stars; one submission).

Conditions:
MELAS syndrome (MELAS). Also called: Juvenile myopathy, encephalopathy, lactic acidosis, stroke. Identifiers: Orphanet 550, MedGen C0162671, MONDO:0010789, OMIM 540000.

Submission:

Wong Mito Lab, Molecular and Human Genetics, Baylor College of Medicine
Classification: Benign for MELAS syndrome. Last evaluated: 2019-07-12. Review status: criteria provided, single submitter. Criteria: Modified ACMG Guidelines (Unpublished). Collection method: clinical testing. Allele origin: germline.
Comment: The NC_012920.1:m.15940T>C variant in MT-TT gene is interpreted to be a Benign variant based on the modified ACMG guidelines (unpublished). This variant meets the following evidence codes reported in the guidelines: BS1, BS2, BP4

Literature cited by the submitters: PubMed 31965079.

NC_012920.1(MT-TT):m.15940T>C

Gene: MT-TT (mitochondrially encoded tRNA threonine; plus strand).
Variant type: single nucleotide variant.
Genome position: chrM-15940-T-C.
Identifiers: ClinVar variation 690250 (VCV000690250.1), dbSNP rs879197567, ClinGen allele CA337100598.
Genomic context (GRCh38, chrMT:15,940, plus strand): 5'-ATGGGCCTGTCCTTGTAGTATAAACTAATACACCAGTCTTGTAAACCGGAGATGAAAACC[T>C]TTTTCCAAGGACAAATCAGAGAAAAAGTCTTTAACTCCACCATTAGCACCCAAAGCTAAG-3'